The following is an entry in ClinVar:

ClinVar aggregate classification (germline): Pathogenic (1 of 4 stars; one submission).

Conditions:
Joubert syndrome. Also called: CEREBELLOPARENCHYMAL DISORDER IV; JOUBERT-BOLTSHAUSER SYNDROME; Familial aplasia of the vermis. Identifiers: Orphanet 475, MedGen C5979921, MONDO:0018772.
Nephronophthisis. Also called: Juvenile Nephronophthisis. Identifiers: Orphanet 655, MedGen C0687120, MONDO:0019005, HP:0000090.
Meckel-Gruber syndrome. Also called: DYSENCEPHALIA SPLANCHNOCYSTICA; GRUBER SYNDROME; Dysencephalia splachnocystica. Identifiers: Orphanet 564, MedGen C0265215, MONDO:0018921.

Submission:

Labcorp Genetics (formerly Invitae), Labcorp
Classification: Pathogenic for Joubert syndrome; Meckel-Gruber syndrome; Nephronophthisis. Last evaluated: 2022-02-18. Review status: criteria provided, single submitter. Criteria: Invitae Variant Classification Sherloc (09022015). Collection method: clinical testing. Allele origin: germline.
Comment: This variant has not been reported in the literature in individuals affected with CEP290-related conditions. For these reasons, this variant has been classified as Pathogenic. This variant is present in population databases (no rsID available, gnomAD 0.002%). This sequence change creates a premature translational stop signal (p.Thr1060Cysfs*4) in the CEP290 gene. It is expected to result in an absent or disrupted protein product. Loss-of-function variants in CEP290 are known to be pathogenic (PMID: 16909394, 17345604, 20690115).

Literature cited by the submitters: PubMed 16909394; PubMed 17345604; PubMed 20690115.

NM_025114.4(CEP290):c.3178_3181del (p.Thr1060fs)

Gene: CEP290 (centrosomal protein 290; minus strand). Cytogenetic location: 12q21.32.
Variant type: Deletion.
Coding change: c.3178_3181del on transcript NM_025114.4 (MANE Select); coding-DNA positions 3178 to 3181, 4 bases deleted (ACTA; older notation c.3178_3181delACTA).
Protein change: p.Thr1060fs; shifts the reading frame from threonine 1060.
Molecular consequence: frameshift variant.
Genome position (GRCh38, 1-based): chr12:88,093,898-88,093,901, TAGT deleted on the plus strand (ACTA on the coding strand, the reverse complement: CEP290 is on the minus strand); deleting any 4 consecutive bases within chr12:88,093,898-88,093,903 gives the same sequence; the c. name uses the placement nearest the transcript's 3' end. VCF-style (leftmost placement, unchanged base first): chr12-88093897-ATAGT-A. GRCh37 (hg19) VCF-style: chr12-88487674-ATAGT-A.
Other names: short protein forms T1060fs.
Identifiers: ClinVar variation 1432580 (VCV001432580.6), dbSNP rs1450189463, ClinGen allele CA606675750.